The following is an entry in ClinVar:

ClinVar aggregate classification (germline): Likely pathogenic. Review status: criteria provided, multiple submitters, no conflicts (2 of 4 stars). 4 submissions from 4 submitters: Likely pathogenic (4). Last evaluated 2025-09-21.

Conditions:
Reduced protein C activity. Identifiers: MedGen C0398625, MeSH D020151, HP:0005543.
Thrombophilia due to protein C deficiency, autosomal dominant. Also called: PROC DEFICIENCY, AUTOSOMAL DOMINANT; PROTEIN C DEFICIENCY, AUTOSOMAL DOMINANT. Identifiers: Orphanet 745, MedGen C2674321, MONDO:0008316, OMIM 176860. Disease mechanism: loss of function.

Allele frequency attached by ClinVar (database versions not stated): gnomAD exomes 0.00001.

Submissions (4):

Labcorp Genetics (formerly Invitae), Labcorp
Classification: Likely pathogenic for Thrombophilia due to protein C deficiency, autosomal dominant. Last evaluated: 2025-09-21. Review status: criteria provided, single submitter. Criteria: Invitae Variant Classification Sherloc (09022015). Collection method: clinical testing. Allele origin: germline.
Comment: This sequence change replaces cysteine, which is neutral and slightly polar, with tyrosine, which is neutral and polar, at codon 147 of the PROC protein (p.Cys147Tyr). The frequency data for this variant in the population databases is considered unreliable, as metrics indicate poor data quality at this position in the gnomAD database. This missense change has been observed in individuals with protein C deficiency (PMID: 1868249, 21811774, 31064749). It has also been observed to segregate with disease in related individuals. This variant is also known as 3359G >A, 105Cys>Tyr. ClinVar contains an entry for this variant (Variation ID: 627072). Invitae Evidence Modeling of protein sequence and biophysical properties (such as structural, functional, and spatial information, amino acid conservation, physicochemical variation, residue mobility, and thermodynamic stability) indicates that this missense variant is expected to disrupt PROC protein function with a positive predictive value of 80%. In summary, the currently available evidence indicates that the variant is pathogenic, but additional data are needed to prove that conclusively. Therefore, this variant has been classified as Likely Pathogenic.

Mayo Clinic Laboratories, Mayo Clinic
Classification: Likely pathogenic. Last evaluated: 2022-04-05. Review status: criteria provided, single submitter. Criteria: ACMG Guidelines, 2015. Collection method: clinical testing. Allele origin: germline. Observed: 1 variant allele.
Comment: PP1, PP3, PM2, PS4_moderate

NIHR Bioresource Rare Diseases, University of Cambridge
Classification: Likely pathogenic for Reduced protein C activity. Last evaluated: 2019-02-01. Review status: criteria provided, single submitter. Criteria: ACMG Guidelines, 2015. Collection method: research. Allele origin: unknown. Affected: yes. Observed: 1 heterozygote. Study: ThromboGenomics.

ISTH-SSC Genomics in Thrombosis and Hemostasis, KU Leuven, Center for Molecular and Vascular Biology
Classification: Likely pathogenic for Thrombophilia due to protein C deficiency, autosomal dominant. Review status: criteria provided, single submitter. Criteria: ACMG Guidelines, 2015. Collection method: clinical testing. Allele origin: germline. Affected: yes. Observed: 2 heterozygotes. Clinical features observed: Recurrent thrombophlebitis, Low protein C levels.
Comment: Submitted to GoldVariant by Kathleen Freson, Center for Molecular and Vascular Biology, Leuven, Belgium

Literature cited by the submitters: PubMed 1868249 (cited by Labcorp Genetics (formerly Invitae), Labcorp); PubMed 21811774 (cited by Labcorp Genetics (formerly Invitae), Labcorp); PubMed 31064749 (cited by Labcorp Genetics (formerly Invitae), Labcorp and NIHR Bioresource Rare Diseases, University of Cambridge).

NM_000312.4(PROC):c.440G>A (p.Cys147Tyr)

Gene: PROC (protein C, inactivator of coagulation factors Va and VIIIa; plus strand). Cytogenetic location: 2q14.3.
Variant type: single nucleotide variant.
Coding change: c.440G>A on transcript NM_000312.4 (MANE Select); coding-DNA position 440, G replaced by A.
Protein change: p.Cys147Tyr; replaces cysteine 147 with tyrosine.
Molecular consequence: missense variant. On other transcripts: intron variant (1).
Genome position (GRCh38, 1-based): chr2:127,423,313, G>A. VCF-style: chr2-127423313-G-A. GRCh37 (hg19) VCF-style: chr2-128180889-G-A.
Other names: p.Cys147Tyr; c.623G>A, p.Cys208Tyr (NM_001375602.1); c.605G>A, p.Cys202Tyr (NM_001375603.1); c.503G>A, p.Cys168Tyr (NM_001375604.1); c.542G>A, p.Cys181Tyr (NM_001375605.1); c.608G>A, p.Cys203Tyr (NM_001375606.1); c.626G>A, p.Cys209Tyr (NM_001375607.1); c.416G>A, p.Cys139Tyr (NM_001375609.1); and 3 more; short protein forms C147Y, C139Y, C145Y, C168Y, C181Y, C202Y, C203Y, C208Y.
Identifiers: ClinVar variation 627072 (VCV000627072.5), dbSNP rs1247269491, ClinGen allele CA348399818.